The following is an entry in ClinVar:

NM_000458.4(HNF1B):c.1487C>T (p.Ala496Val)

Gene: HNF1B (HNF1 homeobox B; minus strand). Cytogenetic location: 17q12.
Variant type: single nucleotide variant.
Coding change: c.1487C>T on transcript NM_000458.4 (MANE Select); coding-DNA position 1487, C replaced by T.
Protein change: p.Ala496Val; replaces alanine 496 with valine.
Molecular consequence: missense variant. On other transcripts: intron variant (1).
Genome position (GRCh38, 1-based): chr17:37,701,030, G>A on the plus strand (C>T on the coding strand, the complement: HNF1B is on the minus strand). VCF-style: chr17-37701030-G-A. GRCh37 (hg19) VCF-style: chr17-36061035-G-A.
Other names: p.Ala496Val; c.1487C>T, p.Ala496Val (NM_001411100.1); c.1261+3887C>T (NM_001304286.2); c.1409C>T, p.Ala470Val (NM_001165923.4); short protein forms A496V, A470V.
Identifiers: ClinVar variation 4542153 (VCV004542153.1).

ClinVar aggregate classification (germline): Uncertain significance (1 of 4 stars; one submission).

gnomAD v4.1: 2 of 1,557,288 alleles (0.00013%); highest among the groups gnomAD compares: Admixed American, 0.0019%; no homozygotes.

Submission:

Mayo Clinic Laboratories, Mayo Clinic
Classification: Uncertain significance. Last evaluated: 2025-08-29. Review status: criteria provided, single submitter. Criteria: ACMG Guidelines, 2015. Collection method: clinical testing. Allele origin: germline. Observed: 1 variant allele.
Comment: PM2_supporting